The following is an entry in ClinVar:

NM_014727.3(KMT2B):c.542G>A (p.Arg181Gln)

Gene: KMT2B (lysine methyltransferase 2B; plus strand). Cytogenetic location: 19q13.12.
Variant type: single nucleotide variant.
Coding change: c.542G>A on transcript NM_014727.3 (MANE Select); coding-DNA position 542, G replaced by A.
Protein change: p.Arg181Gln; replaces arginine 181 with glutamine.
Molecular consequence: missense variant.
Genome position (GRCh38, 1-based): chr19:35,719,889, G>A. VCF-style: chr19-35719889-G-A. GRCh37 (hg19) VCF-style: chr19-36210791-G-A.
Other names: short protein forms R181Q.
Identifiers: ClinVar variation 1308980 (VCV001308980.6), dbSNP rs368286257, ClinGen allele CA307782042.

ClinVar aggregate classification (germline): Conflicting classifications of pathogenicity. Review status: criteria provided, conflicting classifications (1 of 4 stars). 2 submissions from 2 submitters: Uncertain significance (1); Benign (1). Last evaluated 2025-06-14.

Allele frequency attached by ClinVar (database versions not stated): gnomAD exomes 0.00001; TOPMed 0.00001; ESP Exome Variant Server 0.00008.
gnomAD v4.1: 8 of 1,613,340 alleles (0.0005%); highest among the groups gnomAD compares: South Asian, 0.0011%; no homozygotes.

Submissions (2):

Labcorp Genetics (formerly Invitae), Labcorp
Classification: Benign. Last evaluated: 2025-06-14. Review status: criteria provided, single submitter. Criteria: Invitae Variant Classification Sherloc (09022015). Collection method: clinical testing. Allele origin: germline.

GeneDx
Classification: Uncertain significance. Last evaluated: 2020-08-17. Review status: criteria provided, single submitter. Criteria: GeneDx Variant Classification Process June 2021. Collection method: clinical testing. Allele origin: germline. Affected: yes.
Comment: In silico analysis, which includes protein predictors and evolutionary conservation, supports that this variant does not alter protein structure/function; Has not been previously published as pathogenic or benign to our knowledge